The following is an entry in ClinVar:

NM_014991.6(WDFY3):c.547C>T (p.Arg183Ter)

Gene: WDFY3 (WD repeat and FYVE domain containing 3; minus strand). Cytogenetic location: 4q21.23.
Variant type: single nucleotide variant.
Coding change: c.547C>T on transcript NM_014991.6 (MANE Select); coding-DNA position 547, C replaced by T.
Protein change: p.Arg183Ter; replaces arginine 183 with a stop codon.
Molecular consequence: nonsense.
Genome position (GRCh38, 1-based): chr4:84,836,958, G>A on the plus strand (C>T on the coding strand, the complement: WDFY3 is on the minus strand). VCF-style: chr4-84836958-G-A. GRCh37 (hg19) VCF-style: chr4-85758111-G-A.
Other names: short protein forms R183*.
Identifiers: ClinVar variation 4866476 (VCV004866476.1).

ClinVar aggregate classification (germline): Pathogenic (1 of 4 stars; one submission).

Conditions:
Inborn genetic diseases. Identifiers: MedGen C0950123, MeSH D030342.

Submission:

Ambry Genetics
Classification: Pathogenic for Inborn genetic diseases. Last evaluated: 2026-04-16. Review status: criteria provided, single submitter. Criteria: Ambry Variant Classification Scheme 2023. Collection method: clinical testing. Allele origin: germline.
Comment: The c.547C>T (p.R183*) alteration, located in exon 7 (coding exon 4) of the WDFY3 gene, consists of a C to T substitution at nucleotide position 547. This changes the amino acid from a arginine (R) to a stop codon at amino acid position 183. This variant is expected to result in loss of function by premature protein truncation or nonsense-mediated mRNA decay. This variant was not reported in population-based cohorts in the Genome Aggregation Database (gnomAD). Based on the available evidence, this alteration is classified as pathogenic.